The following is an entry in ClinVar:

NM_000500.9(CYP21A2):c.1007C>T (p.Pro336Leu)

Genes: CYP21A2 (cytochrome P450 family 21 subfamily A member 2; plus strand), LOC106780800 (CYP21A2 recombination region; plus strand). Cytogenetic location: 6p21.33.
Variant type: single nucleotide variant.
Coding change: c.1007C>T on transcript NM_000500.9 (MANE Select); coding-DNA position 1007, C replaced by T.
Protein change: p.Pro336Leu; replaces proline 336 with leucine.
Molecular consequence: missense variant.
Genome position (GRCh38, 1-based): chr6:32,040,473, C>T. VCF-style: chr6-32040473-C-T. GRCh37 (hg19) VCF-style: chr6-32008250-C-T.
Other names: c.917C>T, p.Pro306Leu (NM_001128590.4); c.602C>T, p.Pro201Leu (NM_001368143.2, NM_001368144.2); short protein forms P201L, P306L, P336L.
Identifiers: ClinVar variation 2636679 (VCV002636679.1), dbSNP rs1776226305, ClinGen allele CA363510872.

ClinVar aggregate classification (germline): Uncertain significance (1 of 4 stars; one submission).

Conditions:
CYP21A2-related disorder. Also called: CYP21A2-related condition.

Allele frequency attached by ClinVar (database versions not stated): gnomAD 0.00001.
gnomAD v4.1: 1 of 1,613,148 alleles (0.000062%); highest among the groups gnomAD compares: Admixed American, 0.0017%; no homozygotes.

Submission:

PreventionGenetics, part of Exact Sciences
Classification: Uncertain significance for CYP21A2-related condition. Last evaluated: 2023-07-13. Review status: criteria provided, single submitter. Criteria: ACMG Guidelines, 2015. Collection method: clinical testing. Allele origin: germline.
Comment: The CYP21A2 c.1007C>T variant is predicted to result in the amino acid substitution p.Pro336Leu. To our knowledge, this variant has not been reported in a large population database, indicating this variant is rare. This variant falls within a highly paralogous region. Allele frequency data should be interpreted with caution. This variant has been reported in an individual with non-classic congenital adrenal hyperplasia (CAH) in a study of structure-based activity prediction of CYP21A2 stability variants (aka p.P335L at Bruque et al. 2016. PubMed ID: 27966633 and Simonetti et al. 2018. PubMed ID: 29035424). At this time, the clinical significance of this variant is uncertain due to the absence of conclusive functional and genetic evidence.